The following is an entry in ClinVar:

ClinVar aggregate classification (germline): Pathogenic (1 of 4 stars; one submission).

Submission:

Labcorp Genetics (formerly Invitae), Labcorp
Classification: Pathogenic. Last evaluated: 2025-09-08. Review status: criteria provided, single submitter. Criteria: Invitae Variant Classification Sherloc (09022015). Collection method: clinical testing. Allele origin: germline.
Comment: This sequence change creates a premature translational stop signal (p.Lys50Asnfs*89) in the GNAT1 gene. It is expected to result in an absent or disrupted protein product. Loss-of-function variants in GNAT1 are known to be pathogenic (PMID: 11095744, 31736247). This variant is not present in population databases (gnomAD no frequency). This variant has not been reported in the literature in individuals affected with GNAT1-related conditions. ClinVar contains an entry for this variant (Variation ID: 1414433). For these reasons, this variant has been classified as Pathogenic.

Literature cited by the submitters: PubMed 11095744; PubMed 31736247.

NM_144499.3(GNAT1):c.146_149dup (p.Lys50fs)

Gene: GNAT1 (G protein subunit alpha transducin 1; plus strand). Cytogenetic location: 3p21.31.
Variant type: Duplication.
Coding change: c.146_149dup on transcript NM_144499.3 (MANE Select); coding-DNA positions 146 to 149, 4 bases duplicated (TGAA; older notation c.146_149dupTGAA).
Protein change: p.Lys50fs; shifts the reading frame from lysine 50.
Molecular consequence: frameshift variant.
Genome position (GRCh38, 1-based): chr3:50,193,172-50,193,175, TGAA duplicated; duplicating any 4 consecutive bases within chr3:50,193,171-50,193,175 gives the same sequence; the c. name uses the placement nearest the transcript's 3' end. VCF-style (leftmost placement, unchanged base first): chr3-50193170-G-GATGA. GRCh37 (hg19) VCF-style: chr3-50230603-G-GATGA.
Other names: c.146_149dup, p.Lys50fs (NM_000172.4); short protein forms K50fs.
Identifiers: ClinVar variation 1414433 (VCV001414433.6), dbSNP rs2109138350, ClinGen allele CA2573137201.
Genomic context (GRCh38, chr3:50,193,170, plus strand): 5'-CTGAGGCGCCGCGTCTCTTTCAGGTGCCGGTGAGTCCGGGAAGAGCACCATCGTCAAGCA[G>GATGA]ATGAAGTGAGTGCCCCTGCCTGTCCCGAGGCCCCTGGGTCTGGGTCCTTCCCCACTTCCC-3'